The following is an entry in ClinVar:

ClinVar aggregate classification (germline): Uncertain significance (1 of 4 stars; one submission).

Allele frequency attached by ClinVar (database versions not stated): gnomAD exomes 0.00001; TOPMed 0.00001; gnomAD 0.00003.
gnomAD v4.1: 7 of 1,613,574 alleles (0.00043%); highest among the groups gnomAD compares: Admixed American, 0.0067%; no homozygotes.

Submission:

Labcorp Genetics (formerly Invitae), Labcorp
Classification: Uncertain significance. Last evaluated: 2025-02-10. Review status: criteria provided, single submitter. Criteria: Invitae Variant Classification Sherloc (09022015). Collection method: clinical testing. Allele origin: germline.
Comment: This sequence change replaces asparagine, which is neutral and polar, with serine, which is neutral and polar, at codon 310 of the STAT4 protein (p.Asn310Ser). This variant is present in population databases (no rsID available, gnomAD 0.01%). This variant has not been reported in the literature in individuals affected with STAT4-related conditions. ClinVar contains an entry for this variant (Variation ID: 1422005). Invitae Evidence Modeling of protein sequence and biophysical properties (such as structural, functional, and spatial information, amino acid conservation, physicochemical variation, residue mobility, and thermodynamic stability) indicates that this missense variant is not expected to disrupt STAT4 protein function with a negative predictive value of 80%. In summary, the available evidence is currently insufficient to determine the role of this variant in disease. Therefore, it has been classified as a Variant of Uncertain Significance.

NM_003151.4(STAT4):c.929A>G (p.Asn310Ser)

Gene: STAT4 (signal transducer and activator of transcription 4; minus strand). Cytogenetic location: 2q32.2.
Variant type: single nucleotide variant.
Coding change: c.929A>G on transcript NM_003151.4 (MANE Select); coding-DNA position 929, A replaced by G.
Protein change: p.Asn310Ser; replaces asparagine 310 with serine.
Molecular consequence: missense variant.
Genome position (GRCh38, 1-based): chr2:191,062,774, T>C on the plus strand (A>G on the coding strand, the complement: STAT4 is on the minus strand). VCF-style: chr2-191062774-T-C. GRCh37 (hg19) VCF-style: chr2-191927500-T-C.
Other names: c.929A>G, p.Asn310Ser (NM_001243835.2); short protein forms N310S.
Identifiers: ClinVar variation 1422005 (VCV001422005.6), dbSNP rs1296987566, ClinGen allele CA349915553.